The following is an entry in ClinVar:

NM_000875.5(IGF1R):c.2559G>A (p.Pro853=)

Gene: IGF1R (insulin like growth factor 1 receptor; plus strand). Cytogenetic location: 15q26.3.
Variant type: single nucleotide variant.
Coding change: c.2559G>A on transcript NM_000875.5 (MANE Select); coding-DNA position 2559, G replaced by A.
Protein change: p.Pro853=; no amino-acid change (proline 853 retained).
Molecular consequence: synonymous variant.
Genome position (GRCh38, 1-based): chr15:98,923,949, G>A. VCF-style: chr15-98923949-G-A. GRCh37 (hg19) VCF-style: chr15-99467178-G-A.
Other names: c.2559G>A, p.Pro853= (NM_001291858.2).
Identifiers: ClinVar variation 1981947 (VCV001981947.6), dbSNP rs756094289, ClinGen allele CA7752429.

ClinVar aggregate classification (germline): Likely benign. Review status: criteria provided, multiple submitters, no conflicts (2 of 4 stars). 2 submissions from 2 submitters: Likely benign (2). Last evaluated 2026-05-01.

Allele frequency attached by ClinVar (database versions not stated): gnomAD 0.00001; gnomAD exomes 0.00001; TOPMed 0.00001; ExAC 0.00003.
gnomAD v4.1: 23 of 1,613,408 alleles (0.0014%); highest among the groups gnomAD compares: Admixed American, 0.0033%; no homozygotes.

Submissions (2):

CeGaT Center for Human Genetics Tuebingen
Classification: Likely benign. Last evaluated: 2026-05-01. Review status: criteria provided, single submitter. Criteria: CeGaT Center For Human Genetics Tuebingen Variant Classification Criteria Version 2. Collection method: clinical testing. Allele origin: germline. Affected: yes. Observed: 1 variant allele.
Comment: IGF1R: BP4, BP7

Labcorp Genetics (formerly Invitae), Labcorp
Classification: Likely benign. Last evaluated: 2025-04-02. Review status: criteria provided, single submitter. Criteria: Invitae Variant Classification Sherloc (09022015). Collection method: clinical testing. Allele origin: germline.